The following is an entry in ClinVar:

ClinVar aggregate classification (germline): Likely benign (0 of 4 stars; one submission).

Conditions:
DMPK-related disorder. Also called: DMPK-related condition.

Allele frequency attached by ClinVar (database versions not stated): gnomAD exomes below 0.00001; TOPMed below 0.00001; ExAC 0.00001.
gnomAD v4.1: 2 of 1,613,412 alleles (0.00012%); highest among the groups gnomAD compares: Non-Finnish European, 0.000085%; no homozygotes.

Submission:

PreventionGenetics, part of Exact Sciences
Classification: Likely benign for DMPK-related condition. Last evaluated: 2019-03-14. Review status: no assertion criteria provided. Collection method: clinical testing. Allele origin: germline.
Comment: This variant is classified as likely benign based on ACMG/AMP sequence variant interpretation guidelines (Richards et al. 2015 PMID: 25741868, with internal and published modifications).

NM_004409.5(DMPK):c.978C>T (p.Gly326=)

Gene: DMPK (DM1 protein kinase; minus strand). Cytogenetic location: 19q13.32.
Variant type: single nucleotide variant.
Coding change: c.978C>T on transcript NM_004409.5 (MANE Select); coding-DNA position 978, C replaced by T.
Protein change: p.Gly326=; no amino-acid change (glycine 326 retained).
Molecular consequence: synonymous variant.
Genome position (GRCh38, 1-based): chr19:45,777,495, G>A on the plus strand (C>T on the coding strand, the complement: DMPK is on the minus strand). VCF-style: chr19-45777495-G-A. GRCh37 (hg19) VCF-style: chr19-46280753-G-A.
Other names: c.978C>T, p.Gly326= (NM_001081560.3, NM_001081562.3, NM_001288766.2 and 5 more transcripts); c.1008C>T, p.Gly336= (NM_001081563.3); c.1056C>T, p.Gly352= (NM_001288764.2, NM_001424163.1); c.711C>T, p.Gly237= (NM_001288765.2); c.537C>T, p.Gly179= (NM_001424166.1).
Identifiers: ClinVar variation 3046916 (VCV003046916.2), dbSNP rs766547162, ClinGen allele CA9521311.